The following is an entry in ClinVar:

NM_000321.3(RB1):c.2490-10_2490-6del

Gene: RB1 (RB transcriptional corepressor 1; plus strand). Cytogenetic location: 13q14.2.
Variant type: Deletion.
Coding change: c.2490-10_2490-6del on transcript NM_000321.3 (MANE Select); 10 bases into the intron before coding-DNA position 2490 through 6 bases into the intron before coding-DNA position 2490, 5 bases deleted (AACTT; older notation c.2490-10_2490-6delAACTT).
Molecular consequence: intron variant.
Genome position (GRCh38, 1-based): chr13:48,473,350-48,473,354, AACTT deleted; deleting any 5 consecutive bases within chr13:48,473,347-48,473,354 gives the same sequence; the c. name uses the placement nearest the transcript's 3' end. VCF-style (leftmost placement, unchanged base first): chr13-48473346-TCTTAA-T. GRCh37 (hg19) VCF-style: chr13-49047482-TCTTAA-T.
Identifiers: ClinVar variation 1692383 (VCV001692383.2), dbSNP rs1224162129, ClinGen allele CA609586520.
Genomic context (GRCh38, chr13:48,473,346, plus strand): 5'-TGTATTTATGCTCATCTCTGCAAAATTGTATATGGTTTTTTATTACTAATTGGTATTTCA[TCTTAA>T]CTTGACAGAATCTTAGTATCAATTGGTGAATCATTCGGGGTGAGTATTTTCTTTCTATGA-3'

ClinVar aggregate classification (germline): Uncertain significance. Review status: criteria provided, multiple submitters, no conflicts (2 of 4 stars). 2 submissions from 2 submitters: Uncertain significance (2). Last evaluated 2023-04-03.

Conditions:
Hereditary cancer-predisposing syndrome. Also called: Hereditary Cancer Syndrome; Hereditary neoplastic syndrome; Neoplastic Syndromes, Hereditary; Tumor predisposition. Identifiers: Orphanet 140162, MedGen C0027672, MeSH D009386, MONDO:0015356.
Retinoblastoma (RB1). Also called: RETINOBLASTOMA, SOMATIC. Identifiers: Orphanet 790, MedGen C0035335, MeSH D012175, MONDO:0008380, OMIM 180200, HP:0009919. Disease mechanism: loss of function. Inheritance: Both sporadic and heritable forms are tested..

Submissions (2):

All of Us Research Program, National Institutes of Health
Classification: Uncertain significance for Retinoblastoma. Last evaluated: 2023-04-03. Review status: criteria provided, single submitter. Criteria: ACMG Guidelines, 2015. Collection method: clinical testing. Allele origin: germline. Inheritance: Autosomal dominant inheritance. Observed: 1 variant allele, 1 heterozygote.
Comment: This variant causes a 5 nucleotide deletion from position -6 to -10 in intron 23 of the RB1 gene. Splice site prediction tools suggest that this variant may have a significant impact on RNA splicing. However, this prediction has not been confirmed in published RNA studies. This variant has not been reported in individuals affected with RB1-related disorders in the literature. This variant has been identified in 1/250306 chromosomes in the general population by the Genome Aggregation Database (gnomAD). The available evidence is insufficient to determine the role of this variant in disease conclusively. Therefore, this variant is classified as a Variant of Uncertain Significance.

This study involves interpretation of variants in research participants for the purpose of population health screening. Participant phenotype was not available at the time of variant classification. Additional details can be found in publication PMID: 35346344, PMCID: PMC8962531

Sema4
Classification: Uncertain significance for Hereditary cancer-predisposing syndrome. Last evaluated: 2021-08-17. Review status: criteria provided, single submitter. Criteria: Sema4 Curation Guidelines. Collection method: curation. Allele origin: germline.
Comment: The RB1 c.2490-10_2490-6delAACTT variant has not been reported in the literature to our knowledge. It was observed in 1/21308 chromosomes of the Finnish subpopulation in the large and broad cohorts of the Genome Aggregation Database (PMID: 32461654). The variant has not been reported in ClinVar. In silico tools suggest that the variant does not have an impact on splicing, though these predictions have not been confirmed by functional studies. The evidence is insufficient to meet ACMG/AMP criteria for classifying the variant as benign or pathogenic. Thus, the clinical significance of this variant is currently uncertain.